The following is an entry in ClinVar:

ClinVar aggregate classification (germline): Pathogenic/Likely pathogenic. Review status: criteria provided, multiple submitters, no conflicts (2 of 4 stars). 2 submissions from 2 submitters: Pathogenic (1); Likely pathogenic (1). Last evaluated 2025-04-10.

Conditions:
Hereditary cancer-predisposing syndrome. Also called: Hereditary Cancer Syndrome; Hereditary neoplastic syndrome; Neoplastic Syndromes, Hereditary; Tumor predisposition. Identifiers: Orphanet 140162, MedGen C0027672, MeSH D009386, MONDO:0015356.
AXIN2-related disorder.

Submissions (2):

Ambry Genetics
Classification: Pathogenic for Hereditary cancer-predisposing syndrome. Last evaluated: 2025-04-10. Review status: criteria provided, single submitter. Criteria: Ambry Variant Classification Scheme 2023. Collection method: clinical testing. Allele origin: germline.
Comment: The c.2304delC pathogenic mutation, located in coding exon 9 of the AXIN2 gene, results from a deletion of one nucleotide at nucleotide position 2304, causing a translational frameshift with a predicted alternate stop codon (p.F770Sfs*12). This alteration is expected to result in loss of function by premature protein truncation or nonsense-mediated mRNA decay. As such, this alteration is interpreted as a disease-causing mutation.

Rady Children's Institute for Genomic Medicine, Rady Children's Hospital San Diego
Classification: Likely pathogenic for AXIN2 related disorder. Review status: criteria provided, single submitter. Criteria: ACMG Guidelines, 2015. Collection method: clinical testing. Allele origin: germline. Affected: yes.
Comment: This nonsense variant found in exon 10 of 11 and is predicted to result in loss of normal protein function through either protein truncation or nonsense-mediated mRNA decay (NMD). This variant has not been previously reported or functionally characterized in the literature to our knowledge. It is absent from the gnomAD population database and thus is presumed to be rare. Based on the available evidence, the c.2304del (p.Phe770SerfsTer12) variant is classified as Likely Pathogenic.

NM_004655.4(AXIN2):c.2304del (p.Phe770fs)

Gene: AXIN2 (axin 2; minus strand). Cytogenetic location: 17q24.1.
Variant type: Deletion.
Coding change: c.2304del on transcript NM_004655.4 (MANE Select); coding-DNA position 2304, one base deleted (C; older notation c.2304delC).
Protein change: p.Phe770fs; shifts the reading frame from phenylalanine 770.
Molecular consequence: frameshift variant.
Genome position (GRCh38, 1-based): chr17:65,534,013, G deleted on the plus strand (C on the coding strand, the reverse complement: AXIN2 is on the minus strand). VCF-style (leftmost placement, unchanged base first): chr17-65534012-AG-A. GRCh37 (hg19) VCF-style: chr17-63530130-AG-A.
Other names: c.2109del, p.Phe705fs (NM_001363813.1); short protein forms F705fs, F770fs.
Identifiers: ClinVar variation 2584439 (VCV002584439.2), dbSNP rs2509389531, ClinGen allele CA2582342321.
Genomic context (GRCh38, chr17:65,534,012, plus strand): 5'-CCAGGGTCAAGCTCTGAGCCTTCAGCATCCTCCGGTATGGAATTTCTTCCCCACAGAAAA[AG>A]TAAGTGACAACCAACTCACTGGCCTGGAGCGCGTGGACACCTGCCAGTTTCTTTGGCTCT-3'